The following is an entry in ClinVar:

ClinVar aggregate classification (germline): Pathogenic (1 of 4 stars; one submission).

Conditions:
Hereditary cancer-predisposing syndrome. Also called: Hereditary Cancer Syndrome; Hereditary neoplastic syndrome; Neoplastic Syndromes, Hereditary; Tumor predisposition. Identifiers: Orphanet 140162, MedGen C0027672, MeSH D009386, MONDO:0015356.

Submission:

Ambry Genetics
Classification: Pathogenic for Hereditary cancer-predisposing syndrome. Last evaluated: 2020-01-31. Review status: criteria provided, single submitter. Criteria: Ambry Variant Classification Scheme 2023. Collection method: clinical testing. Allele origin: germline.
Comment: The c.995delA pathogenic mutation, located in coding exon 10 of the RB1 gene, results from a deletion of one nucleotide at nucleotide position 995, causing a translational frameshift with a predicted alternate stop codon (p.D332Vfs*17). This alteration is expected to result in loss of function by premature protein truncation or nonsense-mediated mRNA decay. As such, this alteration is interpreted as a disease-causing mutation.

NM_000321.3(RB1):c.995del (p.Asp332fs)

Gene: RB1 (RB transcriptional corepressor 1; plus strand). Cytogenetic location: 13q14.2.
Variant type: Deletion.
Coding change: c.995del on transcript NM_000321.3 (MANE Select); coding-DNA position 995, one base deleted (A; older notation c.995delA).
Protein change: p.Asp332fs; shifts the reading frame from aspartic acid 332.
Molecular consequence: frameshift variant.
Genome position (GRCh38, 1-based): chr13:48,367,549, A deleted. VCF-style (leftmost placement, unchanged base first): chr13-48367548-GA-G. GRCh37 (hg19) VCF-style: chr13-48941684-GA-G.
Other names: c.995delA, p.Asp332Valfs (NM_001407165.1, NM_001407166.1); short protein forms D332fs.
Identifiers: ClinVar variation 1768727 (VCV001768727.2), dbSNP rs2542188550, ClinGen allele CA2580087566.
Genomic context (GRCh38, chr13:48,367,548, plus strand): 5'-TTCAAGGTTGAAAATCTTTCTAAACGATACGAAGAAATTTATCTTAAAAATAAAGATCTA[GA>G]TGCAAGATTATTTTTGGATCATGATAAAACTCTTCAGACTGATTCTATAGACAGGTATTG-3'